The following is an entry in ClinVar:

ClinVar aggregate classification (germline): Uncertain significance (1 of 4 stars; one submission).

Conditions:
Hereditary cancer-predisposing syndrome. Also called: Hereditary neoplastic syndrome; Hereditary Cancer Syndrome; Neoplastic Syndromes, Hereditary; Tumor predisposition. Identifiers: Orphanet 140162, MedGen C0027672, MeSH D009386, MONDO:0015356.

Submission:

Color Diagnostics, LLC DBA Color Health
Classification: Uncertain significance for Hereditary cancer-predisposing syndrome. Last evaluated: 2022-05-31. Review status: criteria provided, single submitter. Criteria: ACMG Guidelines, 2015. Collection method: clinical testing. Allele origin: germline.
Comment: This variant causes a G to A nucleotide substitution at the +6 position of intron 1 of the RAD51C gene. To our knowledge, functional studies have not been reported for this variant. This variant has not been reported in individuals affected with hereditary cancer in the literature. This variant has not been identified in the general population by the Genome Aggregation Database (gnomAD). The available evidence is insufficient to determine the role of this variant in disease conclusively. Therefore, this variant is classified as a Variant of Uncertain Significance.

NM_058216.3(RAD51C):c.145+6G>A

Genes: RAD51C (RAD51 paralog C; plus strand), LOC130061310 (ATAC-STARR-seq lymphoblastoid active region 12491; plus strand). Cytogenetic location: 17q22.
Variant type: single nucleotide variant.
Coding change: c.145+6G>A on transcript NM_058216.3 (MANE Select); 6 bases into the intron after coding-DNA position 145, G replaced by A.
Molecular consequence: intron variant.
Genome position (GRCh38, 1-based): chr17:58,692,794, G>A. VCF-style: chr17-58692794-G-A. GRCh37 (hg19) VCF-style: chr17-56770155-G-A.
Other names: c.145+6G>A (NM_002876.4).
Identifiers: ClinVar variation 2774190 (VCV002774190.2), dbSNP rs2143681459, ClinGen allele CA2697560126.
Genomic context (GRCh38, chr17:58,692,794, plus strand): 5'-GGGTTCCAGACTGCTGAGGAACTCCTAGAGGTGAAACCCTCCGAGCTTAGCAAAGGTAAC[G>A]ACTCCTGATGGCAAGCTGAGGCACACCGGCCGCCGTCAGCGCCGCCTCAGTCTTCGTTCT-3'